The following is an entry in ClinVar:

ClinVar aggregate classification (germline): Uncertain significance. Review status: criteria provided, multiple submitters, no conflicts (2 of 4 stars). 2 submissions from 2 submitters: Uncertain significance (2). Last evaluated 2025-10-25.

Conditions:
Inborn genetic diseases. Identifiers: MedGen C0950123, MeSH D030342.

Allele frequency attached by ClinVar (database versions not stated): gnomAD exomes 0.00001 and 0.00004; gnomAD 0.00002; ExAC 0.00003; TOPMed 0.00003.
gnomAD v4.1: 17 of 1,542,232 alleles (0.0011%); highest among the groups gnomAD compares: Admixed American, 0.017%; no homozygotes.

Submissions (2):

Labcorp Genetics (formerly Invitae), Labcorp
Classification: Uncertain significance. Last evaluated: 2025-10-25. Review status: criteria provided, single submitter. Criteria: Invitae Variant Classification Sherloc (09022015). Collection method: clinical testing. Allele origin: germline.
Comment: This sequence change replaces serine, which is neutral and polar, with proline, which is neutral and non-polar, at codon 497 of the DDX58 protein (p.Ser497Pro). This variant is present in population databases (rs759065592, gnomAD 0.02%). This variant has not been reported in the literature in individuals affected with DDX58-related conditions. ClinVar contains an entry for this variant (Variation ID: 1421600). An algorithm developed to predict the effect of missense changes on protein structure and function (PolyPhen-2) suggests that this variant is likely to be disruptive. In summary, the available evidence is currently insufficient to determine the role of this variant in disease. Therefore, it has been classified as a Variant of Uncertain Significance.

Ambry Genetics
Classification: Uncertain significance for Inborn genetic diseases. Last evaluated: 2025-02-13. Review status: criteria provided, single submitter. Criteria: Ambry Variant Classification Scheme 2023. Collection method: clinical testing. Allele origin: germline.

NM_014314.4(RIGI):c.1489T>C (p.Ser497Pro)

Gene: RIGI (RNA sensor RIG-I; minus strand). Cytogenetic location: 9p21.1.
Variant type: single nucleotide variant.
Coding change: c.1489T>C on transcript NM_014314.4 (MANE Select); coding-DNA position 1489, T replaced by C.
Protein change: p.Ser497Pro; replaces serine 497 with proline.
Molecular consequence: missense variant.
Genome position (GRCh38, 1-based): chr9:32,481,489, A>G on the plus strand (T>C on the coding strand, the complement: RIGI is on the minus strand). VCF-style: chr9-32481489-A-G. GRCh37 (hg19) VCF-style: chr9-32481487-A-G.
Other names: c.1483T>C, p.Ser495Pro (NM_001385907.1); c.1489T>C, p.Ser497Pro (NM_001385909.1); c.1048T>C, p.Ser350Pro (NM_001385910.1); c.880T>C, p.Ser294Pro (NM_001385912.1); c.1474T>C, p.Ser492Pro (NM_001385913.1); c.1045T>C, p.Ser349Pro (NM_001385914.1); c.1489T>C (NM_014314.3); short protein forms S349P, S492P, S495P, S294P, S350P, S497P.
Identifiers: ClinVar variation 1421600 (VCV001421600.7), dbSNP rs759065592, ClinGen allele CA5019769.